The following is an entry in ClinVar:

ClinVar aggregate classification (germline): Likely benign (0 of 4 stars; one submission).

Conditions:
EP300-related disorder. Also called: EP300-related disorders; EP300-related condition.

Submission:

PreventionGenetics, part of Exact Sciences
Classification: Likely benign for EP300-related condition. Last evaluated: 2022-08-31. Review status: no assertion criteria provided. Collection method: clinical testing. Allele origin: germline.
Comment: This variant is classified as likely benign based on ACMG/AMP sequence variant interpretation guidelines (Richards et al. 2015 PMID: 25741868, with internal and published modifications).

NM_001429.4(EP300):c.6480G>C (p.Gly2160=)

Gene: EP300 (E1A binding protein p300; plus strand). Cytogenetic location: 22q13.2.
Variant type: single nucleotide variant.
Coding change: c.6480G>C on transcript NM_001429.4 (MANE Select); coding-DNA position 6480, G replaced by C.
Protein change: p.Gly2160=; no amino-acid change (glycine 2160 retained).
Molecular consequence: synonymous variant.
Genome position (GRCh38, 1-based): chr22:41,178,191, G>C. VCF-style: chr22-41178191-G-C. GRCh37 (hg19) VCF-style: chr22-41574195-G-C.
Other names: c.6402G>C, p.Gly2134= (NM_001362843.2).
Identifiers: ClinVar variation 3353936 (VCV003353936.1).
Genomic context (GRCh38, chr22:41,178,191, plus strand): 5'-TCAGAGGGCTGGCCTGCCCCAGCAGCAACCACAGCAGCAACTCCAGCCACCCATGGGAGG[G>C]ATGAGCCCCCAGGCTCAGCAGATGAACATGAACCACAACACCATGCCTTCACAATTCCGA-3'
Protein context (NP_001420.2, residues 2150-2170): PQQQLQPPMG[Gly2160=]MSPQAQQMNM